The following is an entry in ClinVar:

ClinVar aggregate classification (germline): Pathogenic. Review status: reviewed by expert panel (3 of 4 stars). 4 submissions from 4 submitters: Pathogenic (1). 3 of the submissions do not count toward it. Last evaluated 2016-09-08.

Conditions:
Hereditary cancer-predisposing syndrome. Also called: Tumor predisposition; Hereditary Cancer Syndrome; Neoplastic Syndromes, Hereditary; Hereditary neoplastic syndrome. Identifiers: Orphanet 140162, MedGen C0027672, MeSH D009386, MONDO:0015356.
Hereditary breast ovarian cancer syndrome. Also called: Hereditary breast and ovarian cancer; Breast and ovarian cancer; Hereditary breast and/or ovarian cancer syndrome; BRCA1- and BRCA2-Associated Hereditary Breast and Ovarian Cancer; Hereditary breast and ovarian cancer syndrome; Hereditary breast and ovarian cancer syndrome (HBOC). Identifiers: Orphanet 145, MedGen C0677776, MeSH D061325, MONDO:0003582. Disease mechanism: loss of function.
Breast-ovarian cancer, familial, susceptibility to, 2 (BROVCA2). Also called: BRCA2 Hereditary Breast and Ovarian Cancer. Identifiers: Orphanet 145, MedGen C2675520, MONDO:0012933, OMIM 612555. Disease mechanism: loss of function.

Submissions (4):

Evidence-based Network for the Interpretation of Germline Mutant Alleles (ENIGMA)
Classification: Pathogenic for Breast-ovarian cancer, familial, susceptibility to, 2. Last evaluated: 2016-09-08. Review status: reviewed by expert panel. Criteria: ENIGMA BRCA1/2 Classification Criteria (2015). Collection method: curation. Allele origin: germline.
Comment: Variant allele predicted to encode a truncated non-functional protein.

Labcorp Genetics (formerly Invitae), Labcorp
Classification: Pathogenic for Hereditary breast ovarian cancer syndrome. Last evaluated: 2026-01-28. Review status: criteria provided, single submitter. Criteria: Invitae Variant Classification Sherloc (09022015). Collection method: clinical testing. Allele origin: germline. Not counted in ClinVar's aggregate classification.
Comment: This sequence change creates a premature translational stop signal (p.Glu1511Aspfs*32) in the BRCA2 gene. It is expected to result in an absent or disrupted protein product. Loss-of-function variants in BRCA2 are known to be pathogenic (PMID: 20104584). This variant is not present in population databases (gnomAD no frequency). This premature translational stop signal has been observed in individual(s) with ovarian cancer (PMID: 27767231). ClinVar contains an entry for this variant (Variation ID: 254537). For these reasons, this variant has been classified as Pathogenic.

Ambry Genetics
Classification: Pathogenic for Hereditary cancer-predisposing syndrome. Last evaluated: 2023-05-04. Review status: criteria provided, single submitter. Criteria: Ambry Variant Classification Scheme 2023. Collection method: clinical testing. Allele origin: germline. Not counted in ClinVar's aggregate classification.
Comment: The c.4533delA pathogenic mutation, located in coding exon 10 of the BRCA2 gene, results from a deletion of one nucleotide at nucleotide position 4533, causing a translational frameshift with a predicted alternate stop codon (p.E1511Dfs*32). This variant is considered to be rare based on population cohorts in the Genome Aggregation Database (gnomAD). This alteration is expected to result in loss of function by premature protein truncation or nonsense-mediated mRNA decay. As such, this alteration is interpreted as a disease-causing mutation.

Consortium of Investigators of Modifiers of BRCA1/2 (CIMBA), c/o University of Cambridge
Classification: Pathogenic for Breast-ovarian cancer, familial, susceptibility to, 2. Last evaluated: 2015-10-02. Review status: criteria provided, single submitter. Criteria: CIMBA Mutation Classification guidelines May 2016. Collection method: clinical testing. Allele origin: germline. Not counted in ClinVar's aggregate classification.

Literature cited by the submitters: PubMed 20104584 (cited by Labcorp Genetics (formerly Invitae), Labcorp); PubMed 27767231 (cited by Labcorp Genetics (formerly Invitae), Labcorp).

NM_000059.4(BRCA2):c.4533del (p.Glu1511fs)

Gene: BRCA2 (BRCA2 DNA repair associated; plus strand). Cytogenetic location: 13q13.1.
Variant type: Deletion.
Coding change: c.4533del on transcript NM_000059.4 (MANE Select); coding-DNA position 4533, one base deleted (A; older notation c.4533delA).
Protein change: p.Glu1511fs; shifts the reading frame from glutamic acid 1511.
Molecular consequence: frameshift variant.
Genome position (GRCh38, 1-based): chr13:32,338,888, A deleted; the last of 2 consecutive A bases (chr13:32,338,887-32,338,888); deleting either gives the same sequence. VCF-style (leftmost placement, unchanged base first): chr13-32338886-GA-G. GRCh37 (hg19) VCF-style: chr13-32913023-GA-G.
Other names: c.4533delA (NM_000059.3).
Identifiers: ClinVar variation 254537 (VCV000254537.8), dbSNP rs886038106, ClinGen allele CA10586525.